The following is an entry in ClinVar:

NM_001367624.2(ZNF469):c.4646G>A (p.Cys1549Tyr)

Gene: ZNF469 (zinc finger protein 469; plus strand). Cytogenetic location: 16q24.2.
Variant type: single nucleotide variant.
Coding change: c.4646G>A on transcript NM_001367624.2 (MANE Select); coding-DNA position 4646, G replaced by A.
Protein change: p.Cys1549Tyr; replaces cysteine 1549 with tyrosine.
Molecular consequence: missense variant.
Genome position (GRCh38, 1-based): chr16:88,432,116, G>A. VCF-style: chr16-88432116-G-A. GRCh37 (hg19) VCF-style: chr16-88498524-G-A.
Other names: NM_001127464.1:c.4562G>A; short protein forms C1549Y.
Identifiers: ClinVar variation 1327847 (VCV001327847.2), dbSNP rs533119259, ClinGen allele CA8224991.

ClinVar aggregate classification (germline): Uncertain significance (1 of 4 stars; one submission).

Allele frequency attached by ClinVar (database versions not stated): gnomAD 0.00001; gnomAD exomes 0.00001; ExAC 0.00005; 1000 Genomes Project 30x 0.00016; 1000 Genomes Project 0.00020.
gnomAD v4.1: 3 of 1,550,496 alleles (0.00019%); highest among the groups gnomAD compares: African/African-American, 0.0041%; no homozygotes.

Submission:

GeneDx
Classification: Uncertain significance. Last evaluated: 2021-06-08. Review status: criteria provided, single submitter. Criteria: GeneDx Variant Classification Process June 2021. Collection method: clinical testing. Allele origin: germline. Affected: yes.
Comment: In silico analysis supports that this missense variant has a deleterious effect on protein structure/function; Has not been previously published as pathogenic or benign to our knowledge; This variant is associated with the following publications: (PMID: 27535533)